The following is an entry in ClinVar:

NM_152703.5(SAMD9L):c.1213A>G (p.Asn405Asp)

Gene: SAMD9L (sterile alpha motif domain containing 9 like; minus strand). Cytogenetic location: 7q21.2.
Variant type: single nucleotide variant.
Coding change: c.1213A>G on transcript NM_152703.5 (MANE Select); coding-DNA position 1213, A replaced by G.
Protein change: p.Asn405Asp; replaces asparagine 405 with aspartic acid.
Molecular consequence: missense variant.
Genome position (GRCh38, 1-based): chr7:93,134,759, T>C on the plus strand (A>G on the coding strand, the complement: SAMD9L is on the minus strand). VCF-style: chr7-93134759-T-C. GRCh37 (hg19) VCF-style: chr7-92764072-T-C.
Other names: c.1213A>G, p.Asn405Asp (NM_001303496.3, NM_001303497.3, NM_001303498.3 and 5 more transcripts); short protein forms N405D.
Identifiers: ClinVar variation 3437168 (VCV003437168.1).

ClinVar aggregate classification (germline): Uncertain significance (1 of 4 stars; one submission).

Conditions:
Inborn genetic diseases. Identifiers: MedGen C0950123, MeSH D030342.

Submission:

Ambry Genetics
Classification: Uncertain significance for Inborn genetic diseases. Last evaluated: 2024-11-23. Review status: criteria provided, single submitter. Criteria: Ambry Variant Classification Scheme 2023. Collection method: clinical testing. Allele origin: germline.
Comment: The p.N405D variant (also known as c.1213A>G), located in coding exon 1 of the SAMD9L gene, results from an A to G substitution at nucleotide position 1213. The asparagine at codon 405 is replaced by aspartic acid, an amino acid with highly similar properties. This amino acid position is conserved. In addition, this alteration is predicted to be tolerated by in silico analysis. Based on the available evidence, the clinical significance of this variant remains unclear.